The following is an entry in ClinVar:

ClinVar aggregate classification (germline): Uncertain significance. Review status: criteria provided, multiple submitters, no conflicts (2 of 4 stars). 2 submissions from 2 submitters: Uncertain significance (2). Last evaluated 2024-07-27.

Conditions:
Jeune thoracic dystrophy. Also called: Jeune syndrome; Infantile thoracic dystrophy; Thoracic pelvic phalangeal dystrophy; Jeune's syndrome; Chondroectodermal dysplasia-like syndrome; Short-rib thoracic dysplasia. Identifiers: Orphanet 474, MedGen C0265275, MONDO:0018770.
Inborn genetic diseases. Identifiers: MedGen C0950123, MeSH D030342.

Allele frequency attached by ClinVar (database versions not stated): gnomAD exomes 0.00001 and 0.00004; ExAC 0.00005; TOPMed 0.00005.
gnomAD v4.1: 8 of 1,478,422 alleles (0.00054%); highest among the groups gnomAD compares: Admixed American, 0.018%; no homozygotes.

Submissions (2):

Ambry Genetics
Classification: Uncertain significance for Inborn genetic diseases. Last evaluated: 2024-07-27. Review status: criteria provided, single submitter. Criteria: Ambry Variant Classification Scheme 2023. Collection method: clinical testing. Allele origin: germline.

Labcorp Genetics (formerly Invitae), Labcorp
Classification: Uncertain significance for Jeune thoracic dystrophy. Last evaluated: 2022-08-16. Review status: criteria provided, single submitter. Criteria: Invitae Variant Classification Sherloc (09022015). Collection method: clinical testing. Allele origin: germline.
Comment: This sequence change replaces glutamic acid, which is acidic and polar, with glycine, which is neutral and non-polar, at codon 1894 of the DYNC2H1 protein (p.Glu1894Gly). This variant is present in population databases (rs753911293, gnomAD 0.02%). This variant has not been reported in the literature in individuals affected with DYNC2H1-related conditions. ClinVar contains an entry for this variant (Variation ID: 854362). Advanced modeling of protein sequence and biophysical properties (such as structural, functional, and spatial information, amino acid conservation, physicochemical variation, residue mobility, and thermodynamic stability) performed at Invitae indicates that this missense variant is expected to disrupt DYNC2H1 protein function. In summary, the available evidence is currently insufficient to determine the role of this variant in disease. Therefore, it has been classified as a Variant of Uncertain Significance.

NM_001377.3(DYNC2H1):c.5681A>G (p.Glu1894Gly)

Gene: DYNC2H1 (dynein cytoplasmic 2 heavy chain 1; plus strand). Cytogenetic location: 11q22.3.
Variant type: single nucleotide variant.
Coding change: c.5681A>G on transcript NM_001377.3 (MANE Select); coding-DNA position 5681, A replaced by G.
Protein change: p.Glu1894Gly; replaces glutamic acid 1894 with glycine.
Molecular consequence: missense variant.
Genome position (GRCh38, 1-based): chr11:103,176,241, A>G. VCF-style: chr11-103176241-A-G. GRCh37 (hg19) VCF-style: chr11-103046970-A-G.
Other names: c.5681A>G, p.Glu1894Gly (NM_001080463.2); short protein forms E1894G.
Identifiers: ClinVar variation 854362 (VCV000854362.8), dbSNP rs753911293, ClinGen allele CA6253817.